The following is an entry in ClinVar:

NM_001387430.1(SH2B1):c.939+10del

Gene: SH2B1 (SH2B adaptor protein 1; plus strand). Cytogenetic location: 16p11.2.
Variant type: Deletion.
Coding change: c.939+10del on transcript NM_001387430.1 (MANE Select); 10 bases into the intron after coding-DNA position 939, one base deleted (C; older notation c.939+10delC).
Molecular consequence: intron variant.
Genome position (GRCh38, 1-based): chr16:28,867,043, C deleted; the last of 4 consecutive C bases (chr16:28,867,040-28,867,043); deleting any one gives the same sequence. VCF-style (leftmost placement, unchanged base first): chr16-28867039-GC-G. GRCh37 (hg19) VCF-style: chr16-28878360-GC-G.
Other names: c.939+10del (NM_001308293.2, NM_001387404.1, NM_015503.3 and 4 more transcripts); c.-26-331del (NM_001308294.2).
Identifiers: ClinVar variation 3358532 (VCV003358532.1).

ClinVar aggregate classification (germline): Likely benign (0 of 4 stars; one submission).

Conditions:
SH2B1-related disorder. Also called: SH2B1-related condition.

Submission:

PreventionGenetics, part of Exact Sciences
Classification: Likely benign for SH2B1-related condition. Last evaluated: 2020-12-31. Review status: no assertion criteria provided. Collection method: clinical testing. Allele origin: germline.
Comment: This variant is classified as likely benign based on ACMG/AMP sequence variant interpretation guidelines (Richards et al. 2015 PMID: 25741868, with internal and published modifications).